The following is an entry in ClinVar:

NM_002529.4(NTRK1):c.16C>T (p.Arg6Trp)

Genes: NTRK1 (neurotrophic receptor tyrosine kinase 1; plus strand), LOC129931648 (ATAC-STARR-seq lymphoblastoid silent region 1440; plus strand). Cytogenetic location: 1q23.1.
Variant type: single nucleotide variant.
Coding change: c.16C>T on transcript NM_002529.4 (MANE Select); coding-DNA position 16, C replaced by T.
Protein change: p.Arg6Trp; replaces arginine 6 with tryptophan.
Molecular consequence: missense variant. On other transcripts: intron variant (1).
Genome position (GRCh38, 1-based): chr1:156,860,950, C>T. VCF-style: chr1-156860950-C-T. GRCh37 (hg19) VCF-style: chr1-156830742-C-T.
Other names: NM_001012331.1(NTRK1):c.16C>T(p.Arg6Trp); NM_002529.3(NTRK1):c.16C>T(p.Arg6Trp); c.16C>T, p.Arg6Trp (NM_001012331.2); c.123-3404C>T (NM_001007792.1); c.16C>T (NM_002529.3); short protein forms R6W.
Identifiers: ClinVar variation 234386 (VCV000234386.73), dbSNP rs201472270, ClinGen allele CA1168813.

ClinVar aggregate classification (germline): Conflicting classifications of pathogenicity. Review status: criteria provided, conflicting classifications (1 of 4 stars). 15 submissions from 15 submitters: Uncertain significance (1); Benign (3); Likely benign (8). 3 of the submissions do not count toward it. Last evaluated 2026-09-01.

Conditions:
NTRK1-related disorder. Also called: NTRK1-related condition.
Inborn genetic diseases. Identifiers: MedGen C0950123, MeSH D030342.
Hereditary insensitivity to pain with anhidrosis (CIPA). Also called: NTRK1 Congenital Insensitivity to Pain with Anhidrosis; hereditary sensory and autonomic neuropathy type 4; INSENSITIVITY TO PAIN, CONGENITAL, WITH ANHIDROSIS; NEUROPATHY, CONGENITAL SENSORY, WITH ANHIDROSIS; FAMILIAL DYSAUTONOMIA, TYPE II; HSAN Type IV. Identifiers: Orphanet 642, MedGen C0020074, MONDO:0009746, OMIM 256800.

Allele frequency attached by ClinVar (database versions not stated): TOPMed 0.00283; ExAC 0.00307; gnomAD 0.00350 and 0.00373; 1000 Genomes Project 0.00040; 1000 Genomes Project 30x 0.00047.
gnomAD v4.1: 6,490 of 1,495,226 alleles (0.43%); highest among the groups gnomAD compares: Non-Finnish European, 0.51%; 15 homozygotes.

Submissions (15):

CeGaT Center for Human Genetics Tuebingen
Classification: Likely benign. Last evaluated: 2026-09-01. Review status: criteria provided, single submitter. Criteria: CeGaT Center For Human Genetics Tuebingen Variant Classification Criteria Version 2. Collection method: clinical testing. Allele origin: germline. Affected: yes. Observed: 32 variant alleles.
Comment: NTRK1: BS2

Labcorp Genetics (formerly Invitae), Labcorp
Classification: Likely benign for Hereditary insensitivity to pain with anhidrosis. Last evaluated: 2026-02-04. Review status: criteria provided, single submitter. Criteria: Invitae Variant Classification Sherloc (09022015). Collection method: clinical testing. Allele origin: germline.

PreventionGenetics, part of Exact Sciences
Classification: Benign for NTRK1-related condition. Last evaluated: 2025-10-23. Review status: criteria provided, single submitter. Criteria: ACMG Guidelines, 2015. Collection method: clinical testing. Allele origin: germline.
Comment: This variant is classified as benign based on ACMG/AMP sequence variant interpretation guidelines (Richards et al. 2015 PMID: 25741868, with internal and published modifications).

Mayo Clinic Laboratories, Mayo Clinic
Classification: Benign. Last evaluated: 2025-03-24. Review status: criteria provided, single submitter. Criteria: ACMG Guidelines, 2015. Collection method: clinical testing. Allele origin: germline. Observed: 12 variant alleles.
Comment: BS1, BS2

Blueprint Genetics
Classification: Likely benign. Last evaluated: 2024-11-25. Review status: criteria provided, single submitter. Criteria: ACMG Guidelines, 2015. Collection method: clinical testing. Allele origin: germline.

ARUP Laboratories, Molecular Genetics and Genomics, ARUP Laboratories
Classification: Likely benign for Hereditary insensitivity to pain with anhidrosis. Last evaluated: 2023-11-22. Review status: criteria provided, single submitter. Criteria: ARUP Molecular Germline Variant Investigation Process 2024. Collection method: clinical testing. Allele origin: germline.

GeneDx
Classification: Likely benign. Last evaluated: 2021-06-04. Review status: criteria provided, single submitter. Criteria: GeneDx Variant Classification Process June 2021. Collection method: clinical testing. Allele origin: germline. Affected: yes.
Comment: This variant is associated with the following publications: (PMID: 27527004, 22302274, 26215504, 27535533, 32707200)

Ambry Genetics
Classification: Likely benign for Inborn genetic diseases. Last evaluated: 2019-08-28. Review status: criteria provided, single submitter. Criteria: Ambry Variant Classification Scheme 2023. Collection method: clinical testing. Allele origin: germline.

Mendelics
Classification: Likely benign for Hereditary insensitivity to pain with anhidrosis. Last evaluated: 2019-05-28. Review status: criteria provided, single submitter. Criteria: Mendelics Assertion Criteria 2017. Collection method: clinical testing. Allele origin: unknown.

SIB Swiss Institute of Bioinformatics
Classification: Likely benign for Hereditary insensitivity to pain with anhidrosis. Last evaluated: 2018-05-31. Review status: criteria provided, single submitter. Criteria: ACMG Guidelines, 2015. Collection method: curation. Allele origin: unknown.
Comment: This variant is interpreted as a Likely Benign, for Insensitivity to pain, congenital, with anhidrosis, in Autosomal Recessive manner. The following ACMG Tag(s) were applied: BP5 =>Variant found in a case with an alternate molecular basis for disease (PMID:22302274). BS1-Supporting => BS1 downgraded in strength to supporting.

Illumina Laboratory Services, Illumina
Classification: Uncertain significance for Hereditary insensitivity to pain with anhidrosis. Last evaluated: 2018-01-13. Review status: criteria provided, single submitter. Criteria: ICSL Variant Classification Criteria 13 December 2019. Collection method: clinical testing. Allele origin: germline.

Eurofins Ntd Llc (ga)
Classification: Benign. Last evaluated: 2017-09-13. Review status: criteria provided, single submitter. Criteria: EGL Classification Definitions 2015. Collection method: clinical testing. Allele origin: germline. Observed: 1 variant allele, 1 heterozygote.

Natera, Inc.
Classification: Uncertain significance for Hereditary insensitivity to pain with anhidrosis. Last evaluated: 2020-01-06. Review status: no assertion criteria provided. Collection method: clinical testing. Allele origin: germline. Not counted in ClinVar's aggregate classification.

Clinical Genetics, Academic Medical Center
Classification: Likely benign. Review status: no assertion criteria provided. Collection method: clinical testing. Allele origin: germline. Affected: yes. Study: VKGL Data-share Consensus. Not counted in ClinVar's aggregate classification.

Genome Diagnostics Laboratory, University Medical Center Utrecht
Classification: Likely benign. Review status: no assertion criteria provided. Collection method: clinical testing. Allele origin: germline. Affected: yes. Study: VKGL Data-share Consensus. Not counted in ClinVar's aggregate classification.